The following is an entry in ClinVar:

NM_024537.4(CARS2):c.308T>G (p.Ile103Ser)

Gene: CARS2 (cysteinyl-tRNA synthetase 2, mitochondrial; minus strand). Cytogenetic location: 13q34.
Variant type: single nucleotide variant.
Coding change: c.308T>G on transcript NM_024537.4 (MANE Select); coding-DNA position 308, T replaced by G.
Protein change: p.Ile103Ser; replaces isoleucine 103 with serine.
Molecular consequence: missense variant. On other transcripts: 5 prime UTR variant (1), non-coding transcript variant (2).
Genome position (GRCh38, 1-based): chr13:110,701,523, A>C on the plus strand (T>G on the coding strand, the complement: CARS2 is on the minus strand). VCF-style: chr13-110701523-A-C. GRCh37 (hg19) VCF-style: chr13-111353870-A-C.
Other names: c.-692T>G (NM_001352252.2); c.308T>G, p.Ile103Ser (NM_001352253.3); short protein forms I103S.
Identifiers: ClinVar variation 2141108 (VCV002141108.4), dbSNP rs2502249230, ClinGen allele CA388741191.

ClinVar aggregate classification (germline): Uncertain significance (1 of 4 stars; one submission).

Conditions:
Combined oxidative phosphorylation defect type 27. Also called: Combined oxidative phosphorylation deficiency 27. Identifiers: Orphanet 477774, MedGen C5567608, MONDO:0014728, OMIM 616672.

Allele frequency attached by ClinVar (database versions not stated): gnomAD exomes below 0.00001.
gnomAD v4.1: 2 of 1,572,728 alleles (0.00013%); highest among the groups gnomAD compares: African/African-American, 0.0013%; no homozygotes.

Submission:

Labcorp Genetics (formerly Invitae), Labcorp
Classification: Uncertain significance for Combined oxidative phosphorylation defect type 27. Last evaluated: 2026-01-18. Review status: criteria provided, single submitter. Criteria: Invitae Variant Classification Sherloc (09022015). Collection method: clinical testing. Allele origin: germline.
Comment: This sequence change replaces isoleucine, which is neutral and non-polar, with serine, which is neutral and polar, at codon 103 of the CARS2 protein (p.Ile103Ser). This variant is not present in population databases (gnomAD no frequency). This variant has not been reported in the literature in individuals affected with CARS2-related conditions. ClinVar contains an entry for this variant (Variation ID: 2141108). Invitae Evidence Modeling of protein sequence and biophysical properties (such as structural, functional, and spatial information, amino acid conservation, physicochemical variation, residue mobility, and thermodynamic stability) has been performed for this missense variant. However, the output from this modeling did not meet the statistical confidence thresholds required to predict the impact of this variant on CARS2 protein function. In summary, the available evidence is currently insufficient to determine the role of this variant in disease. Therefore, it has been classified as a Variant of Uncertain Significance.